The following is an entry in ClinVar:

ClinVar aggregate classification (germline): Uncertain significance (1 of 4 stars; one submission).

Conditions:
Complex lethal osteochondrodysplasia. Also called: Osteochondrodysplasia, complex lethal, symoens-barnes-gistelinck type. Identifiers: Orphanet 457378, MedGen C4225162, MONDO:0014821, OMIM 616897.

Submission:

Juno Genomics, Hangzhou Juno Genomics, Inc
Classification: Uncertain significance for Complex lethal osteochondrodysplasia. Review status: criteria provided, single submitter. Criteria: ACMG Guidelines, 2015. Collection method: clinical testing. Allele origin: germline.
Comment: Absent from controls (or at extremely low frequency if recessive) in Genome Aggregation Database.;Multiple lines of computational evidence support a deleterious effect on the gene or gene product.

NM_153365.3(TAPT1):c.1334T>A (p.Leu445His)

Gene: TAPT1 (transmembrane anterior posterior transformation 1; minus strand). Cytogenetic location: 4p15.32.
Variant type: single nucleotide variant.
Coding change: c.1334T>A on transcript NM_153365.3 (MANE Select); coding-DNA position 1334, T replaced by A.
Protein change: p.Leu445His; replaces leucine 445 with histidine.
Molecular consequence: missense variant.
Genome position (GRCh38, 1-based): chr4:16,166,773, A>T on the plus strand (T>A on the coding strand, the complement: TAPT1 is on the minus strand). VCF-style: chr4-16166773-A-T. GRCh37 (hg19) VCF-style: chr4-16168396-A-T.
Other names: short protein forms L445H.
Identifiers: ClinVar variation 5006746 (VCV005006746.2).